The following is an entry in ClinVar:

NM_001130144.3(LTBP3):c.3419G>A (p.Ser1140Asn)

Gene: LTBP3 (latent transforming growth factor beta binding protein 3; minus strand). Cytogenetic location: 11q13.1.
Variant type: single nucleotide variant.
Coding change: c.3419G>A on transcript NM_001130144.3 (MANE Select); coding-DNA position 3419, G replaced by A.
Protein change: p.Ser1140Asn; replaces serine 1140 with asparagine.
Molecular consequence: missense variant.
Genome position (GRCh38, 1-based): chr11:65,539,848, C>T on the plus strand (G>A on the coding strand, the complement: LTBP3 is on the minus strand). VCF-style: chr11-65539848-C-T. GRCh37 (hg19) VCF-style: chr11-65307319-C-T.
Other names: c.2927G>A, p.Ser976Asn (NM_001164266.1); c.3278G>A, p.Ser1093Asn (NM_021070.4); short protein forms S1140N, S976N, S1093N.
Identifiers: ClinVar variation 3292251 (VCV003292251.1).

ClinVar aggregate classification (germline): Uncertain significance (1 of 4 stars; one submission).

Conditions:
Inborn genetic diseases. Identifiers: MedGen C0950123, MeSH D030342.

Submission:

Ambry Genetics
Classification: Uncertain significance for Inborn genetic diseases. Last evaluated: 2024-06-09. Review status: criteria provided, single submitter. Criteria: Ambry Variant Classification Scheme 2023. Collection method: clinical testing. Allele origin: germline.
Comment: The p.S1140N variant (also known as c.3419G>A), located in coding exon 25 of the LTBP3 gene, results from a G to A substitution at nucleotide position 3419. The serine at codon 1140 is replaced by asparagine, an amino acid with highly similar properties. This amino acid position is conserved. In addition, this alteration is predicted to be tolerated by in silico analysis. Based on the available evidence, the clinical significance of this variant remains unclear.